The following is an entry in ClinVar:

ClinVar aggregate classification (germline): Likely benign. Review status: criteria provided, multiple submitters, no conflicts (2 of 4 stars). 3 submissions from 3 submitters: Likely benign (2). 1 of the submissions does not count toward it. Last evaluated 2026-01-01.

Conditions:
LIFR-related disorder. Also called: LIFR-related condition.

Allele frequency attached by ClinVar (database versions not stated): gnomAD 0.00001; TOPMed 0.00002; ExAC 0.00004; gnomAD exomes 0.00005; ESP Exome Variant Server 0.00008; 1000 Genomes Project 30x 0.00016; 1000 Genomes Project 0.00020.

Submissions (3):

Labcorp Genetics (formerly Invitae), Labcorp
Classification: Likely benign. Last evaluated: 2026-01-01. Review status: criteria provided, single submitter. Criteria: Invitae Variant Classification Sherloc (09022015). Collection method: clinical testing. Allele origin: germline.

Blueprint Genetics
Classification: Likely benign. Last evaluated: 2024-09-05. Review status: criteria provided, single submitter. Criteria: ACMG Guidelines, 2015. Collection method: clinical testing. Allele origin: germline.

PreventionGenetics, part of Exact Sciences
Classification: Likely benign for LIFR-related condition. Last evaluated: 2019-02-23. Review status: no assertion criteria provided. Collection method: clinical testing. Allele origin: germline. Not counted in ClinVar's aggregate classification.
Comment: This variant is classified as likely benign based on ACMG/AMP sequence variant interpretation guidelines (Richards et al. 2015 PMID: 25741868, with internal and published modifications).

NM_001127671.2(LIFR):c.474C>T (p.Asn158=)

Gene: LIFR (LIF receptor subunit alpha; minus strand). Cytogenetic location: 5p13.1.
Variant type: single nucleotide variant.
Coding change: c.474C>T on transcript NM_001127671.2 (MANE Select); coding-DNA position 474, C replaced by T.
Protein change: p.Asn158=; no amino-acid change (asparagine 158 retained).
Molecular consequence: synonymous variant.
Genome position (GRCh38, 1-based): chr5:38,523,506, G>A on the plus strand (C>T on the coding strand, the complement: LIFR is on the minus strand). VCF-style: chr5-38523506-G-A. GRCh37 (hg19) VCF-style: chr5-38523608-G-A.
Other names: c.474C>T (NM_002310.5); c.474C>T, p.Asn158= (NM_001364297.2, NM_001364298.2, NM_002310.6).
Identifiers: ClinVar variation 1146122 (VCV001146122.12), dbSNP rs150467945, ClinGen allele CA3243200.